The following is an entry in ClinVar:

NM_005762.3(TRIM28):c.243G>T (p.Leu81=)

Genes: TRIM28 (tripartite motif containing 28; plus strand), LOC130065239 (ATAC-STARR-seq lymphoblastoid silent region 11093; plus strand). Cytogenetic location: 19q13.43.
Variant type: single nucleotide variant.
Coding change: c.243G>T on transcript NM_005762.3 (MANE Select); coding-DNA position 243, G replaced by T.
Protein change: p.Leu81=; no amino-acid change (leucine 81 retained).
Molecular consequence: synonymous variant.
Genome position (GRCh38, 1-based): chr19:58,545,000, G>T. VCF-style: chr19-58545000-G-T. GRCh37 (hg19) VCF-style: chr19-59056367-G-T.
Identifiers: ClinVar variation 4533967 (VCV004533967.6).

ClinVar aggregate classification (germline): Likely benign (1 of 4 stars; one submission).

gnomAD v4.1: 54 of 1,514,574 alleles (0.0036%); highest among the groups gnomAD compares: South Asian, 0.023%; no homozygotes.

Submission:

CeGaT Center for Human Genetics Tuebingen
Classification: Likely benign. Last evaluated: 2025-11-01. Review status: criteria provided, single submitter. Criteria: CeGaT Center For Human Genetics Tuebingen Variant Classification Criteria Version 2. Collection method: clinical testing. Allele origin: germline. Affected: yes. Observed: 2 variant alleles.
Comment: TRIM28: BP4, BP7